The following is an entry in ClinVar:

NM_052947.4(ALPK2):c.5081G>T (p.Arg1694Leu)

Genes: ALPK2 (alpha kinase 2; minus strand), LOC130062577 (ATAC-STARR-seq lymphoblastoid active region 13389; plus strand). Cytogenetic location: 18q21.31.
Variant type: single nucleotide variant.
Coding change: c.5081G>T on transcript NM_052947.4 (MANE Select); coding-DNA position 5081, G replaced by T.
Protein change: p.Arg1694Leu; replaces arginine 1694 with leucine.
Molecular consequence: missense variant.
Genome position (GRCh38, 1-based): chr18:58,535,106, C>A on the plus strand (G>T on the coding strand, the complement: ALPK2 is on the minus strand). VCF-style: chr18-58535106-C-A. GRCh37 (hg19) VCF-style: chr18-56202338-C-A.
Other names: short protein forms R1694L.
Identifiers: ClinVar variation 3290010 (VCV003290010.1).

ClinVar aggregate classification (germline): Uncertain significance (1 of 4 stars; one submission).

Submission:

Ambry Genetics
Classification: Uncertain significance. Last evaluated: 2024-04-10. Review status: criteria provided, single submitter. Criteria: Ambry Variant Classification Scheme 2023. Collection method: clinical testing. Allele origin: germline.
Comment: The p.R1694L variant (also known as c.5081G>T), located in coding exon 4 of the ALPK2 gene, results from a G to T substitution at nucleotide position 5081. The arginine at codon 1694 is replaced by leucine, an amino acid with dissimilar properties. This amino acid position is conserved. In addition, this alteration is predicted to be tolerated by in silico analysis. Based on the available evidence, the clinical significance of this variant remains unclear.